The following is an entry in ClinVar:

NM_020975.6(RET):c.2571G>T (p.Gln857His)

Gene: RET (ret proto-oncogene; plus strand). Cytogenetic location: 10q11.21.
Variant type: single nucleotide variant.
Coding change: c.2571G>T on transcript NM_020975.6 (MANE Select); coding-DNA position 2571, G replaced by T.
Protein change: p.Gln857His; replaces glutamine 857 with histidine.
Molecular consequence: missense variant.
Genome position (GRCh38, 1-based): chr10:43,119,709, G>T. VCF-style: chr10-43119709-G-T. GRCh37 (hg19) VCF-style: chr10-43615157-G-T.
Other names: c.2571G>T, p.Gln857His (NM_000323.2, NM_001406743.1, NM_001406744.1 and 4 more transcripts); c.1809G>T, p.Gln603His (NM_001355216.2); c.2442G>T, p.Gln814His (NM_001406761.1, NM_001406762.1, NM_001406764.1); c.2436G>T, p.Gln812His (NM_001406763.1, NM_001406765.1); c.2283G>T, p.Gln761His (NM_001406766.1, NM_001406767.1, NM_001406770.1); c.2307G>T, p.Gln769His (NM_001406768.1); c.2175G>T, p.Gln725His (NM_001406769.1, NM_001406772.1); c.2133G>T, p.Gln711His (NM_001406771.1, NM_001406773.1); and 10 more; short protein forms Q603H, Q857H, Q422H, Q518H, Q711H, Q761H, Q769H, Q462H.
Identifiers: ClinVar variation 665594 (VCV000665594.13), dbSNP rs1588877374, ClinGen allele CA376556664.

ClinVar aggregate classification (germline): Uncertain significance. Review status: criteria provided, multiple submitters, no conflicts (2 of 4 stars). 3 submissions from 3 submitters: Uncertain significance (3). Last evaluated 2025-10-31.

Conditions:
Hereditary cancer-predisposing syndrome. Also called: Tumor predisposition; Hereditary neoplastic syndrome; Neoplastic Syndromes, Hereditary; Hereditary Cancer Syndrome. Identifiers: Orphanet 140162, MedGen C0027672, MeSH D009386, MONDO:0015356.
RET-related disorder. Also called: RET-related disorders; RET-related condition; RET-related disease.
Multiple endocrine neoplasia, type 2 (MEN2). Identifiers: Orphanet 653, MedGen C4048306, MONDO:0019003. Disease mechanism: gain of function.

Allele frequency attached by ClinVar (database versions not stated): gnomAD exomes below 0.00001; TOPMed below 0.00001.
gnomAD v4.1: 1 of 1,613,522 alleles (0.000062%); highest among the groups gnomAD compares: Non-Finnish European, 0.000085%; no homozygotes.

Submissions (3):

Labcorp Genetics (formerly Invitae), Labcorp
Classification: Uncertain significance for Multiple endocrine neoplasia, type 2. Last evaluated: 2025-10-31. Review status: criteria provided, single submitter. Criteria: Invitae Variant Classification Sherloc (09022015). Collection method: clinical testing. Allele origin: germline.
Comment: This sequence change replaces glutamine, which is neutral and polar, with histidine, which is basic and polar, at codon 857 of the RET protein (p.Gln857His). This variant is not present in population databases (gnomAD no frequency). This variant has not been reported in the literature in individuals affected with RET-related conditions. ClinVar contains an entry for this variant (Variation ID: 665594). An algorithm developed to predict the effect of missense changes on protein structure and function (PolyPhen-2) suggests that this variant is likely to be disruptive. In summary, the available evidence is currently insufficient to determine the role of this variant in disease. Therefore, it has been classified as a Variant of Uncertain Significance.

Ambry Genetics
Classification: Uncertain significance for Hereditary cancer-predisposing syndrome. Last evaluated: 2024-05-29. Review status: criteria provided, single submitter. Criteria: Ambry Variant Classification Scheme 2023. Collection method: clinical testing. Allele origin: germline.
Comment: The p.Q857H variant (also known as c.2571G>T), located in coding exon 14 of the RET gene, results from a G to T substitution at nucleotide position 2571. The glutamine at codon 857 is replaced by histidine, an amino acid with highly similar properties. This amino acid position is highly conserved in available vertebrate species. In addition, this alteration is predicted to be deleterious by in silico analysis. Based on the available evidence, the clinical significance of this variant remains unclear.

PreventionGenetics, part of Exact Sciences
Classification: Uncertain significance for RET-related condition. Last evaluated: 2023-10-03. Review status: criteria provided, single submitter. Criteria: ACMG Guidelines, 2015. Collection method: clinical testing. Allele origin: germline.
Comment: The RET c.2571G>T variant is predicted to result in the amino acid substitution p.Gln857His. To our knowledge, this variant has not been reported in the literature or in a large population database, indicating this variant is rare. In ClinVar, this variant is classified as having uncertain clinical significance. At this time, the clinical significance of this variant is uncertain due to the absence of conclusive functional and genetic evidence.